The following is an entry in ClinVar:

NM_002691.4(POLD1):c.2756del (p.Gly919fs)

Gene: POLD1 (DNA polymerase delta 1, catalytic subunit; plus strand). Cytogenetic location: 19q13.33.
Variant type: Deletion.
Coding change: c.2756del on transcript NM_002691.4 (MANE Select); coding-DNA position 2756, one base deleted (G; older notation c.2756delG).
Protein change: p.Gly919fs; shifts the reading frame from glycine 919.
Molecular consequence: frameshift variant.
Genome position (GRCh38, 1-based): chr19:50,415,762, G deleted; the last of 3 consecutive G bases (chr19:50,415,760-50,415,762); deleting any one gives the same sequence. VCF-style (leftmost placement, unchanged base first): chr19-50415759-TG-T. GRCh37 (hg19) VCF-style: chr19-50919016-TG-T.
Other names: c.2756del, p.Gly919fs (NM_001256849.1, NM_001438212.1, NM_001438213.1); c.2834del, p.Gly945fs (NM_001308632.1); c.2684del, p.Gly895fs (NM_001438210.1, NM_001438211.1); short protein forms G945fs, G895fs, G919fs.
Identifiers: ClinVar variation 5026997 (VCV005026997.1).
Genomic context (GRCh38, chr19:50,415,759, plus strand): 5'-CACCCGCCACCCCATCTCCACGCAGGATGAGGAAGCGGGACCCCGGGAGTGCGCCCAGCC[TG>T]GGCGACCGCGTCCCCTACGTGATCATCAGTGCCGCCAAGGGTGTGGCCGCCTACATGAAG-3'

ClinVar aggregate classification (germline): Uncertain significance (1 of 4 stars; one submission).

Conditions:
Hereditary cancer-predisposing syndrome. Also called: Neoplastic Syndromes, Hereditary; Tumor predisposition; Hereditary neoplastic syndrome; Hereditary Cancer Syndrome. Identifiers: Orphanet 140162, MedGen C0027672, MeSH D009386, MONDO:0015356.

Submission:

Ambry Genetics
Classification: Uncertain significance for Hereditary cancer-predisposing syndrome. Last evaluated: 2026-08-06. Review status: criteria provided, single submitter. Criteria: Ambry Variant Classification Scheme 2023. Collection method: clinical testing. Allele origin: germline.
Comment: The c.2756delG variant, located in coding exon 21 of the POLD1 gene, results from a deletion of one nucleotide at nucleotide position 2756, causing a translational frameshift with a predicted alternate stop codon (p.G919Afs*7). This alteration is expected to result in loss of function by premature protein truncation or nonsense-mediated mRNA decay. However, loss of function has not been established as a mechanism of disease. Based on the available evidence, the clinical significance of this alteration remains unclear.